The following is an entry in ClinVar:

NM_005045.4(RELN):c.6109G>T (p.Asp2037Tyr)

Gene: RELN (reelin; minus strand). Cytogenetic location: 7q22.1.
Variant type: single nucleotide variant.
Coding change: c.6109G>T on transcript NM_005045.4 (MANE Select); coding-DNA position 6109, G replaced by T.
Protein change: p.Asp2037Tyr; replaces aspartic acid 2037 with tyrosine.
Molecular consequence: missense variant.
Genome position (GRCh38, 1-based): chr7:103,551,260, C>A on the plus strand (G>T on the coding strand, the complement: RELN is on the minus strand). VCF-style: chr7-103551260-C-A. GRCh37 (hg19) VCF-style: chr7-103191707-C-A.
Other names: c.6109G>T, p.Asp2037Tyr (NM_173054.3); short protein forms D2037Y.
Identifiers: ClinVar variation 3750156 (VCV003750156.2).

ClinVar aggregate classification (germline): Uncertain significance (1 of 4 stars; one submission).

Conditions:
Familial temporal lobe epilepsy 7. Identifiers: Orphanet 101046, MedGen C4225327, MONDO:0014639, OMIM 616436.
Norman-Roberts syndrome (LIS2). Also called: Lissencephaly 2 (Norman-Roberts type). Identifiers: Orphanet 89844, MedGen C0796089, MONDO:0009760, OMIM 257320.

gnomAD v4.1: 4 of 1,613,922 alleles (0.00025%); highest among the groups gnomAD compares: African/African-American, 0.0013%; no homozygotes.

Submission:

Labcorp Genetics (formerly Invitae), Labcorp
Classification: Uncertain significance for Familial temporal lobe epilepsy 7; Norman-Roberts syndrome. Last evaluated: 2024-12-12. Review status: criteria provided, single submitter. Criteria: Invitae Variant Classification Sherloc (09022015). Collection method: clinical testing. Allele origin: germline.
Comment: This sequence change replaces aspartic acid, which is acidic and polar, with tyrosine, which is neutral and polar, at codon 2037 of the RELN protein (p.Asp2037Tyr). This variant is not present in population databases (gnomAD no frequency). This variant has not been reported in the literature in individuals affected with RELN-related conditions. Invitae Evidence Modeling of protein sequence and biophysical properties (such as structural, functional, and spatial information, amino acid conservation, physicochemical variation, residue mobility, and thermodynamic stability) indicates that this missense variant is not expected to disrupt RELN protein function with a negative predictive value of 80%. In summary, the available evidence is currently insufficient to determine the role of this variant in disease. Therefore, it has been classified as a Variant of Uncertain Significance.